The following is an entry in ClinVar:

NM_000053.4(ATP7B):c.750G>A (p.Gly250=)

Gene: ATP7B (ATPase copper transporting beta; minus strand). Cytogenetic location: 13q14.3.
Variant type: single nucleotide variant.
Coding change: c.750G>A on transcript NM_000053.4 (MANE Select); coding-DNA position 750, G replaced by A.
Protein change: p.Gly250=; no amino-acid change (glycine 250 retained).
Molecular consequence: synonymous variant.
Genome position (GRCh38, 1-based): chr13:51,974,470, C>T on the plus strand (G>A on the coding strand, the complement: ATP7B is on the minus strand). VCF-style: chr13-51974470-C-T. GRCh37 (hg19) VCF-style: chr13-52548606-C-T.
Other names: c.750G>A, p.Gly250= (NM_001406547.1, NM_001406548.1, NM_001406540.1 and 30 more transcripts); c.654G>A, p.Gly218= (NM_001406539.1, NM_001406543.1, NM_001406544.1 and 4 more transcripts).
Identifiers: ClinVar variation 3385787 (VCV003385787.3).

ClinVar aggregate classification (germline): Likely benign. Review status: criteria provided, multiple submitters, no conflicts (2 of 4 stars). 2 submissions from 2 submitters: Likely benign (2). Last evaluated 2025-01-13.

Conditions:
Wilson disease (WND). Also called: Wilson's disease. Identifiers: Orphanet 905, MedGen C0019202, MONDO:0010200, OMIM 277900. Disease mechanism: loss of function.

Submissions (2):

Labcorp Genetics (formerly Invitae), Labcorp
Classification: Likely benign for Wilson disease. Last evaluated: 2025-01-13. Review status: criteria provided, single submitter. Criteria: Invitae Variant Classification Sherloc (09022015). Collection method: clinical testing. Allele origin: germline.

All of Us Research Program, National Institutes of Health
Classification: Likely benign for Wilson disease. Last evaluated: 2024-02-22. Review status: criteria provided, single submitter. Criteria: ACMG Guidelines, 2015. Collection method: clinical testing. Allele origin: germline. Inheritance: Autosomal recessive inheritance. Observed: 1 variant allele, 1 heterozygote.
Comment: This study involves interpretation of variants in research participants for the purpose of population health screening. Participant phenotype was not available at the time of variant classification. Additional details can be found in publication PMID: 35346344, PMCID: PMC8962531